The following is an entry in ClinVar:

ClinVar aggregate classification (germline): Uncertain significance. Review status: criteria provided, multiple submitters, no conflicts (2 of 4 stars). 2 submissions from 2 submitters: Uncertain significance (2). Last evaluated 2024-12-04.

Conditions:
Inborn genetic diseases. Identifiers: MedGen C0950123, MeSH D030342.

Submissions (2):

Ambry Genetics
Classification: Uncertain significance for Inborn genetic diseases. Last evaluated: 2024-12-04. Review status: criteria provided, single submitter. Criteria: Ambry Variant Classification Scheme 2023. Collection method: clinical testing. Allele origin: germline.
Comment: The p.T1941N variant (also known as c.5822C>A), located in coding exon 22 of the FANCM gene, results from a C to A substitution at nucleotide position 5822. The threonine at codon 1941 is replaced by asparagine, an amino acid with similar properties. This amino acid position is conserved. In addition, this alteration is predicted to be tolerated by in silico analysis. Based on the available evidence, the clinical significance of this variant remains unclear.

GeneDx
Classification: Uncertain significance. Last evaluated: 2023-06-28. Review status: criteria provided, single submitter. Criteria: GeneDx Variant Classification Process June 2021. Collection method: clinical testing. Allele origin: germline. Affected: yes.
Comment: Not observed at significant frequency in large population cohorts (gnomAD); In silico analysis supports that this missense variant has a deleterious effect on protein structure/function; Has not been previously published as pathogenic or benign to our knowledge

NM_020937.4(FANCM):c.5822C>A (p.Thr1941Asn)

Gene: FANCM (FA complementation group M; plus strand). Cytogenetic location: 14q21.2.
Variant type: single nucleotide variant.
Coding change: c.5822C>A on transcript NM_020937.4 (MANE Select); coding-DNA position 5822, C replaced by A.
Protein change: p.Thr1941Asn; replaces threonine 1941 with asparagine.
Molecular consequence: missense variant.
Genome position (GRCh38, 1-based): chr14:45,198,749, C>A. VCF-style: chr14-45198749-C-A. GRCh37 (hg19) VCF-style: chr14-45667952-C-A.
Other names: c.5744C>A, p.Thr1915Asn (NM_001308133.2); short protein forms T1915N, T1941N.
Identifiers: ClinVar variation 3360619 (VCV003360619.2).